The following is an entry in ClinVar:

ClinVar aggregate classification (germline): Benign. Review status: criteria provided, multiple submitters, no conflicts (2 of 4 stars). 2 submissions from 2 submitters: Benign (2). Last evaluated 2018-06-14.

Allele frequency attached by ClinVar (database versions not stated): gnomAD exomes 0.02189; ESP Exome Variant Server 0.06702; gnomAD 0.07457 and 0.07643; TOPMed 0.08417; 1000 Genomes Project 0.09585; 1000 Genomes Project 30x 0.10087.
gnomAD v4.1: 43,612 of 1,608,432 alleles (2.7%); highest among the groups gnomAD compares: African/African-American, 20%; 2,203 homozygotes.

Submissions (2):

GeneDx
Classification: Benign. Last evaluated: 2018-06-14. Review status: criteria provided, single submitter. Criteria: GeneDx Variant Classification (06012015). Collection method: clinical testing. Allele origin: germline. Affected: yes.
Comment: This variant is considered likely benign or benign based on one or more of the following criteria: it is a conservative change, it occurs at a poorly conserved position in the protein, it is predicted to be benign by multiple in silico algorithms, and/or has population frequency not consistent with disease.

Breakthrough Genomics
Classification: Benign. Review status: criteria provided, single submitter. Criteria: ACMG Guidelines, 2015. Collection method: not provided. Allele origin: germline. Inheritance: Autosomal dominant inheritance. Affected: yes.

NM_001040151.2(SCN3B):c.584+52T>C

Gene: SCN3B (sodium voltage-gated channel beta subunit 3; minus strand). Cytogenetic location: 11q24.1.
Variant type: single nucleotide variant.
Coding change: c.584+52T>C on transcript NM_001040151.2 (MANE Select); 52 bases into the intron after coding-DNA position 584, T replaced by C.
Molecular consequence: intron variant.
Genome position (GRCh38, 1-based): chr11:123,638,134, A>G on the plus strand (T>C on the coding strand, the complement: SCN3B is on the minus strand). VCF-style: chr11-123638134-A-G. GRCh37 (hg19) VCF-style: chr11-123508842-A-G.
Other names: c.584+52T>C (NM_018400.4).
Identifiers: ClinVar variation 675387 (VCV000675387.2), dbSNP rs7112258, ClinGen allele CA13511573.